The following is an entry in ClinVar:

ClinVar aggregate classification (germline): Uncertain significance (1 of 4 stars; one submission).

Conditions:
Hereditary breast ovarian cancer syndrome. Also called: Hereditary breast and ovarian cancer syndrome (HBOC); BRCA1- and BRCA2-Associated Hereditary Breast and Ovarian Cancer; Breast and ovarian cancer; Hereditary breast and ovarian cancer; Hereditary breast and ovarian cancer syndrome; Hereditary breast and/or ovarian cancer syndrome. Identifiers: Orphanet 145, MedGen C0677776, MeSH D061325, MONDO:0003582. Disease mechanism: loss of function.

gnomAD v4.1: 2 of 1,596,628 alleles (0.00013%); highest among the groups gnomAD compares: Non-Finnish European, 0.00017%; no homozygotes.

Submission:

Labcorp Genetics (formerly Invitae), Labcorp
Classification: Uncertain significance for Hereditary breast ovarian cancer syndrome. Last evaluated: 2024-02-15. Review status: criteria provided, single submitter. Criteria: Invitae Variant Classification Sherloc (09022015). Collection method: clinical testing. Allele origin: germline.
Comment: This sequence change replaces threonine, which is neutral and polar, with asparagine, which is neutral and polar, at codon 225 of the BRCA2 protein (p.Thr225Asn). This variant is not present in population databases (gnomAD no frequency). This variant has not been reported in the literature in individuals affected with BRCA2-related conditions. Advanced modeling of protein sequence and biophysical properties (such as structural, functional, and spatial information, amino acid conservation, physicochemical variation, residue mobility, and thermodynamic stability) performed at Invitae indicates that this missense variant is not expected to disrupt BRCA2 protein function with a negative predictive value of 95%. In summary, the available evidence is currently insufficient to determine the role of this variant in disease. Therefore, it has been classified as a Variant of Uncertain Significance.

NM_000059.4(BRCA2):c.674C>A (p.Thr225Asn)

Gene: BRCA2 (BRCA2 DNA repair associated; plus strand). Cytogenetic location: 13q13.1.
Variant type: single nucleotide variant.
Coding change: c.674C>A on transcript NM_000059.4 (MANE Select); coding-DNA position 674, C replaced by A.
Protein change: p.Thr225Asn; replaces threonine 225 with asparagine.
Molecular consequence: missense variant. On other transcripts: non-coding transcript variant (1).
Genome position (GRCh38, 1-based): chr13:32,329,485, C>A. VCF-style: chr13-32329485-C-A. GRCh37 (hg19) VCF-style: chr13-32903622-C-A.
Other names: c.674C>A, p.Thr225Asn (NM_001406719.1, NM_001406720.1, NM_001406721.1 and 1 more transcripts); c.305C>A, p.Thr102Asn (NM_001406722.1); short protein forms T225N, T102N.
Identifiers: ClinVar variation 3687637 (VCV003687637.2).